The following is an entry in ClinVar:

NM_152419.3(HGSNAT):c.89G>C (p.Gly30Ala)

Genes: HGSNAT (heparan-alpha-glucosaminide N-acetyltransferase; plus strand), LOC130000316 (ATAC-STARR-seq lymphoblastoid silent region 19164; plus strand). Cytogenetic location: 8p11.21.
Variant type: single nucleotide variant.
Coding change: c.89G>C on transcript NM_152419.3 (MANE Select); coding-DNA position 89, G replaced by C.
Protein change: p.Gly30Ala; replaces glycine 30 with alanine.
Molecular consequence: missense variant. On other transcripts: 5 prime UTR variant (1).
Genome position (GRCh38, 1-based): chr8:43,140,585, G>C. VCF-style: chr8-43140585-G-C. GRCh37 (hg19) VCF-style: chr8-42995728-G-C.
Other names: c.89G>C, p.Gly30Ala (NM_001363227.2, NM_001363228.2); c.-745G>C (NM_001363229.2); short protein forms G30A.
Identifiers: ClinVar variation 1474682 (VCV001474682.3), dbSNP rs1490698793, ClinGen allele CA371124655.

ClinVar aggregate classification (germline): Uncertain significance (1 of 4 stars; one submission).

Conditions:
Mucopolysaccharidosis, MPS-III-C (MPS3C). Also called: SANFILIPPO SYNDROME C; MPS III C; MPS IIIC (Sanfilippo Syndrome Type C); MUCOPOLYSACCHARIDOSIS, TYPE IIIC; Mucopolysaccharidosis type IIIC (Sanfilippo C); mucopolysaccharidosis type 3C. Identifiers: Orphanet 581, Orphanet 79271, MedGen C0086649, MONDO:0009657, OMIM 252930.
Retinitis pigmentosa 73 (RP73). Identifiers: Orphanet 791, MedGen C4225287, MONDO:0014687, OMIM 616544.

Allele frequency attached by ClinVar (database versions not stated): TOPMed below 0.00001; gnomAD 0.00001.
gnomAD v4.1: 32 of 1,233,470 alleles (0.0026%); highest among the groups gnomAD compares: Non-Finnish European, 0.0033%; no homozygotes.

Submission:

Labcorp Genetics (formerly Invitae), Labcorp
Classification: Uncertain significance for Retinitis pigmentosa 73; Mucopolysaccharidosis, MPS-III-C. Last evaluated: 2021-11-14. Review status: criteria provided, single submitter. Criteria: Invitae Variant Classification Sherloc (09022015). Collection method: clinical testing. Allele origin: germline.
Comment: This sequence change replaces glycine, which is neutral and non-polar, with alanine, which is neutral and non-polar, at codon 30 of the HGSNAT protein (p.Gly30Ala). This variant is not present in population databases (gnomAD no frequency). This variant has not been reported in the literature in individuals affected with HGSNAT-related conditions. Advanced modeling of protein sequence and biophysical properties (such as structural, functional, and spatial information, amino acid conservation, physicochemical variation, residue mobility, and thermodynamic stability) performed at Invitae indicates that this missense variant is not expected to disrupt HGSNAT protein function. In summary, the available evidence is currently insufficient to determine the role of this variant in disease. Therefore, it has been classified as a Variant of Uncertain Significance.